The following is an entry in ClinVar:

NM_022124.6(CDH23):c.8303T>A (p.Ile2768Asn)

Gene: CDH23 (cadherin related 23; plus strand). Cytogenetic location: 10q22.1.
Variant type: single nucleotide variant.
Coding change: c.8303T>A on transcript NM_022124.6 (MANE Select); coding-DNA position 8303, T replaced by A.
Protein change: p.Ile2768Asn; replaces isoleucine 2768 with asparagine.
Molecular consequence: missense variant.
Genome position (GRCh38, 1-based): chr10:71,807,401, T>A. VCF-style: chr10-71807401-T-A. GRCh37 (hg19) VCF-style: chr10-73567158-T-A.
Other names: c.1583T>A, p.Ile528Asn (NM_001171933.1, NM_001171934.1); short protein forms I528N, I2768N.
Identifiers: ClinVar variation 1406270 (VCV001406270.5), dbSNP rs1463651418, ClinGen allele CA377131260.

ClinVar aggregate classification (germline): Uncertain significance (1 of 4 stars; one submission).

Allele frequency attached by ClinVar (database versions not stated): gnomAD exomes below 0.00001.

Submission:

Labcorp Genetics (formerly Invitae), Labcorp
Classification: Uncertain significance. Last evaluated: 2021-08-24. Review status: criteria provided, single submitter. Criteria: Invitae Variant Classification Sherloc (09022015). Collection method: clinical testing. Allele origin: germline.
Comment: This sequence change replaces isoleucine with asparagine at codon 2768 of the CDH23 protein (p.Ile2768Asn). The isoleucine residue is highly conserved and there is a large physicochemical difference between isoleucine and asparagine. This variant is not present in population databases (ExAC no frequency). This variant has not been reported in the literature in individuals affected with CDH23-related conditions. Algorithms developed to predict the effect of missense changes on protein structure and function are either unavailable or do not agree on the potential impact of this missense change (SIFT: "Deleterious"; PolyPhen-2: "Not Available"; Align-GVGD: "Class C0"). In summary, the available evidence is currently insufficient to determine the role of this variant in disease. Therefore, it has been classified as a Variant of Uncertain Significance.